The following is an entry in ClinVar:

ClinVar aggregate classification (germline): Uncertain significance (1 of 4 stars; one submission).

Submission:

GeneDx
Classification: Uncertain significance. Last evaluated: 2024-05-08. Review status: criteria provided, single submitter. Criteria: GeneDx Variant Classification Process June 2021. Collection method: clinical testing. Allele origin: germline. Affected: yes.
Comment: Not observed at significant frequency in large population cohorts (gnomAD); In silico analysis supports that this missense variant has a deleterious effect on protein structure/function; Has not been previously published as pathogenic or benign to our knowledge

NM_012186.3(FOXE3):c.238A>T (p.Ile80Phe)

Genes: FOXE3 (forkhead box E3; plus strand), LINC01389 (long intergenic non-protein coding RNA 1389; minus strand). Cytogenetic location: 1p33.
Variant type: single nucleotide variant.
Coding change: c.238A>T on transcript NM_012186.3 (MANE Select); coding-DNA position 238, A replaced by T.
Protein change: p.Ile80Phe; replaces isoleucine 80 with phenylalanine.
Molecular consequence: missense variant.
Genome position (GRCh38, 1-based): chr1:47,416,553, A>T. VCF-style: chr1-47416553-A-T. GRCh37 (hg19) VCF-style: chr1-47882225-A-T.
Other names: short protein forms I80F.
Identifiers: ClinVar variation 3378161 (VCV003378161.1).